The following is an entry in ClinVar:

NM_004360.5(CDH1):c.2151T>G (p.Ile717Met)

Gene: CDH1 (cadherin 1; plus strand). Cytogenetic location: 16q22.1.
Variant type: single nucleotide variant.
Coding change: c.2151T>G on transcript NM_004360.5 (MANE Select); coding-DNA position 2151, T replaced by G.
Protein change: p.Ile717Met; replaces isoleucine 717 with methionine.
Molecular consequence: missense variant.
Genome position (GRCh38, 1-based): chr16:68,823,613, T>G. VCF-style: chr16-68823613-T-G. GRCh37 (hg19) VCF-style: chr16-68857516-T-G.
Other names: c.1968T>G, p.Ile656Met (NM_001317184.2); c.603T>G, p.Ile201Met (NM_001317185.2); c.186T>G, p.Ile62Met (NM_001317186.2); c.2151T>G (LRG_301t1); short protein forms I717M, I201M, I656M, I62M.
Identifiers: ClinVar variation 481020 (VCV000481020.5), dbSNP rs1205147360, ClinGen allele CA396467950.

ClinVar aggregate classification (germline): Uncertain significance (1 of 4 stars; one submission).

Conditions:
Hereditary cancer-predisposing syndrome. Also called: Hereditary Cancer Syndrome; Neoplastic Syndromes, Hereditary; Tumor predisposition; Hereditary neoplastic syndrome. Identifiers: Orphanet 140162, MedGen C0027672, MeSH D009386, MONDO:0015356.

Submission:

Ambry Genetics
Classification: Uncertain significance for Hereditary cancer-predisposing syndrome. Last evaluated: 2016-07-25. Review status: criteria provided, single submitter. Criteria: Ambry Variant Classification Scheme 2023. Collection method: clinical testing. Allele origin: germline.
Comment: The p.I717M variant (also known as c.2151T>G), located in coding exon 13 of the CDH1 gene, results from a T to G substitution at nucleotide position 2151. The isoleucine at codon 717 is replaced by methionine, an amino acid with highly similar properties. This variant was not reported in population based cohorts in the following databases: Database of Single Nucleotide Polymorphisms (dbSNP), NHLBI Exome Sequencing Project (ESP), and 1000 Genomes Project. In the ESP, this variant was not observed in 6498 samples (12996 alleles) with coverage at this position. To date, this alteration has been detected with an allele frequency of approximately 0.0004% (greater than 240000 alleles tested) in our clinical cohort. This amino acid position is highly conserved in available vertebrate species. In addition, the in silico prediction for this alteration is inconclusive. Since supporting evidence is limited at this time, the clinical significance of this alteration remains unclear.